The following is an entry in ClinVar:

ClinVar aggregate classification (germline): Benign/Likely benign. Review status: criteria provided, multiple submitters, no conflicts (2 of 4 stars). 3 submissions from 3 submitters: Benign (1); Likely benign (2). Last evaluated 2026-07-01.

Conditions:
CYS1-related condition.

Submissions (3):

CeGaT Center for Human Genetics Tuebingen
Classification: Likely benign. Last evaluated: 2026-07-01. Review status: criteria provided, single submitter. Criteria: CeGaT Center For Human Genetics Tuebingen Variant Classification Criteria Version 2. Collection method: clinical testing. Allele origin: germline. Affected: yes. Observed: 1 variant allele.
Comment: CYS1: BS1

PreventionGenetics, part of Exact Sciences
Classification: Likely benign for CYS1-related condition. Last evaluated: 2026-03-26. Review status: criteria provided, single submitter. Criteria: ACMG Guidelines, 2015. Collection method: clinical testing. Allele origin: germline.
Comment: This variant is classified as likely benign based on ACMG/AMP sequence variant interpretation guidelines (Richards et al. 2015 PMID: 25741868, with internal and published modifications).

Labcorp Genetics (formerly Invitae), Labcorp
Classification: Benign. Last evaluated: 2018-06-29. Review status: criteria provided, single submitter. Criteria: Invitae Variant Classification Sherloc (09022015). Collection method: clinical testing. Allele origin: germline.

NM_001037160.3(CYS1):c.399dup (p.Glu134fs)

Gene: CYS1 (cystin 1; minus strand). Cytogenetic location: 2p25.1.
Variant type: Duplication.
Coding change: c.399dup on transcript NM_001037160.3 (MANE Select); coding-DNA position 399, one base duplicated (C; older notation c.399dupC).
Protein change: p.Glu134fs; shifts the reading frame from glutamic acid 134.
Molecular consequence: frameshift variant.
Genome position (GRCh38, 1-based): chr2:10,058,931, G duplicated on the plus strand (C on the coding strand, the reverse complement: CYS1 is on the minus strand); the first of 3 consecutive G bases (chr2:10,058,931-10,058,933); duplicating any one gives the same sequence. VCF-style (leftmost placement, unchanged base first): chr2-10058930-C-CG. GRCh37 (hg19) VCF-style: chr2-10199057-C-CG.
Other names: c.399dupC (NM_001037160.2); short protein forms E134fs.
Identifiers: ClinVar variation 754055 (VCV000754055.5), dbSNP rs535291645, ClinGen allele CA1525843.
Genomic context (GRCh38, chr2:10,058,930, plus strand): 5'-GCTCGATGCTCGCCATCAGCCCCTCTTCCGAGTGGTCGTAGGAGATGGCTGCCGGCCTCT[C>CG]GGGCTTCTTGCGACCGCTGCCTGGGGCTCTGTGGGTCAGAAATGGGACAGGGCTGTCAGG-3'